The following is an entry in ClinVar:

ClinVar aggregate classification (germline): Uncertain significance (1 of 4 stars; one submission).

Conditions:
Werner syndrome (WRN). Identifiers: Orphanet 902, MedGen C0043119, MONDO:0010196, OMIM 277700.

Allele frequency attached by ClinVar (database versions not stated): ExAC 0.00001.
gnomAD v4.1: 1 of 1,613,756 alleles (0.000062%); highest among the groups gnomAD compares: Admixed American, 0.0017%; no homozygotes.

Submission:

Labcorp Genetics (formerly Invitae), Labcorp
Classification: Uncertain significance for Werner syndrome. Last evaluated: 2023-10-25. Review status: criteria provided, single submitter. Criteria: Invitae Variant Classification Sherloc (09022015). Collection method: clinical testing. Allele origin: germline.
Comment: This sequence change replaces alanine, which is neutral and non-polar, with threonine, which is neutral and polar, at codon 27 of the WRN protein (p.Ala27Thr). This variant is present in population databases (rs778355874, gnomAD 0.006%). This variant has not been reported in the literature in individuals affected with WRN-related conditions. ClinVar contains an entry for this variant (Variation ID: 1381413). Algorithms developed to predict the effect of missense changes on protein structure and function output the following: SIFT: "Not Available"; PolyPhen-2: "Benign"; Align-GVGD: "Not Available". The threonine amino acid residue is found in multiple mammalian species, which suggests that this missense change does not adversely affect protein function. In summary, the available evidence is currently insufficient to determine the role of this variant in disease. Therefore, it has been classified as a Variant of Uncertain Significance.

NM_000553.6(WRN):c.79G>A (p.Ala27Thr)

Gene: WRN (WRN RecQ like helicase; plus strand). Cytogenetic location: 8p12.
Variant type: single nucleotide variant.
Coding change: c.79G>A on transcript NM_000553.6 (MANE Select); coding-DNA position 79, G replaced by A.
Protein change: p.Ala27Thr; replaces alanine 27 with threonine.
Molecular consequence: missense variant.
Genome position (GRCh38, 1-based): chr8:31,058,526, G>A. VCF-style: chr8-31058526-G-A. GRCh37 (hg19) VCF-style: chr8-30916042-G-A.
Other names: short protein forms A27T.
Identifiers: ClinVar variation 1381413 (VCV001381413.6), dbSNP rs778355874, ClinGen allele CA4703965.